The following is an entry in ClinVar:

ClinVar aggregate classification (germline): Likely benign. Review status: criteria provided, multiple submitters, no conflicts (2 of 4 stars). 2 submissions from 2 submitters: Likely benign (2). Last evaluated 2017-11-16.

Conditions:
Familial cancer of breast. Also called: BREAST CANCER, FAMILIAL; Hereditary breast cancer; hereditary breast carcinoma. Identifiers: Orphanet 227535, MedGen C0346153, MONDO:0016419, OMIM 114480. Disease mechanism: loss of function.

Submissions (2):

GeneDx
Classification: Likely benign. Last evaluated: 2017-11-16. Review status: criteria provided, single submitter. Criteria: GeneDx Variant Classification (06012015). Collection method: clinical testing. Allele origin: germline. Affected: yes.
Comment: This variant is considered likely benign or benign based on one or more of the following criteria: it is a conservative change, it occurs at a poorly conserved position in the protein, it is predicted to be benign by multiple in silico algorithms, and/or has population frequency not consistent with disease.

Labcorp Genetics (formerly Invitae), Labcorp
Classification: Likely benign for Familial cancer of breast. Last evaluated: 2017-03-22. Review status: criteria provided, single submitter. Criteria: Invitae Variant Classification Sherloc (09022015). Collection method: clinical testing. Allele origin: germline.

NM_024675.4(PALB2):c.1326T>C (p.Asn442=)

Gene: PALB2 (partner and localizer of BRCA2; minus strand). Cytogenetic location: 16p12.2.
Variant type: single nucleotide variant.
Coding change: c.1326T>C on transcript NM_024675.4 (MANE Select); coding-DNA position 1326, T replaced by C.
Protein change: p.Asn442=; no amino-acid change (asparagine 442 retained).
Molecular consequence: synonymous variant.
Genome position (GRCh38, 1-based): chr16:23,635,220, A>G on the plus strand (T>C on the coding strand, the complement: PALB2 is on the minus strand). VCF-style: chr16-23635220-A-G. GRCh37 (hg19) VCF-style: chr16-23646541-A-G.
Identifiers: ClinVar variation 460888 (VCV000460888.9), dbSNP rs1555461340, ClinGen allele CA494461533.